The following is an entry in ClinVar:

NM_000271.5(NPC1):c.1920del (p.His641fs)

Gene: NPC1 (NPC intracellular cholesterol transporter 1; minus strand). Cytogenetic location: 18q11.2.
Variant type: Deletion.
Coding change: c.1920del on transcript NM_000271.5 (MANE Select); coding-DNA position 1920, one base deleted (G; older notation c.1920delG).
Protein change: p.His641fs; shifts the reading frame from histidine 641.
Molecular consequence: frameshift variant.
Genome position (GRCh38, 1-based): chr18:23,544,987, C deleted on the plus strand (G on the coding strand, the reverse complement: NPC1 is on the minus strand); the first of 4 consecutive C bases (chr18:23,544,987-23,544,990); deleting any one gives the same sequence. VCF-style (leftmost placement, unchanged base first): chr18-23544986-GC-G. GRCh37 (hg19) VCF-style: chr18-21124950-GC-G.
Other names: short protein forms H641fs.
Identifiers: ClinVar variation 281941 (VCV000281941.19), dbSNP rs886042270, ClinGen allele CA10604013.

ClinVar aggregate classification (germline): Pathogenic/Likely pathogenic. Review status: criteria provided, multiple submitters, no conflicts (2 of 4 stars). 4 submissions from 4 submitters: Pathogenic (2); Likely pathogenic (1). 1 of the submissions does not count toward it. Last evaluated 2025-10-13.

Conditions:
Niemann-Pick disease, type C1. Also called: NIEMANN-PICK DISEASE, VARIANT TYPE C1; NEUROVISCERAL STORAGE DISEASE WITH VERTICAL SUPRANUCLEAR OPHTHALMOPLEGIA; NIEMANN-PICK DISEASE WITH CHOLESTEROL ESTERIFICATION BLOCK; NIEMANN-PICK DISEASE WITHOUT SPHINGOMYELINASE DEFICIENCY; NIEMANN-PICK DISEASE, CHRONIC NEURONOPATHIC FORM. Identifiers: Orphanet 646, MedGen C3179455, MONDO:0009757, OMIM 257220.

Submissions (4):

Labcorp Genetics (formerly Invitae), Labcorp
Classification: Pathogenic for Niemann-Pick disease, type C1. Last evaluated: 2025-10-13. Review status: criteria provided, single submitter. Criteria: Invitae Variant Classification Sherloc (09022015). Collection method: clinical testing. Allele origin: germline.
Comment: This sequence change creates a premature translational stop signal (p.His641Thrfs*2) in the NPC1 gene. It is expected to result in an absent or disrupted protein product. Loss-of-function variants in NPC1 are known to be pathogenic (PMID: 9211850). This variant is not present in population databases (gnomAD no frequency). This premature translational stop signal has been observed in individual(s) with a NPC1-related condition (PMID: 29100954). ClinVar contains an entry for this variant (Variation ID: 281941). For these reasons, this variant has been classified as Pathogenic.

Illumina Laboratory Services, Illumina
Classification: Likely pathogenic for Niemann-Pick disease, type C1. Last evaluated: 2018-12-06. Review status: criteria provided, single submitter. Criteria: ICSL Variant Classification Criteria 09 May 2019. Collection method: clinical testing. Allele origin: germline.
Comment: The NPC1 c.1920delG (p.His641ThrfsTer2) variant results in a frameshift, and is predicted to result in premature termination of the protein. The p.His641ThrfsTer2 variant has been reported in two studies in which it is identified in a compound heterozygous state with either a missense variant or a second frameshift variant in three individuals (including a pair of twins) with Niemann-Pick disease type C (NPC) (Megias-Vericat et al. 2017; Lipinski et al. 2018). Control data are unavailable for this variant and it is not found in the 1000 Genomes Project, the Exome Sequencing Project, Exome Aggregation Consortium, or the Genome Aggregation Database in a region of good sequence coverage so it is presumed rare. The variant is noted to be located in the SSD domain, which is important for cholesterol binding. A mouse model generated with the p.His641ThrfsTer2 variant in a compound heterozygosity was noted to recapitulate the hallmarks of NPC (Gomez-Grau et al. 2017). Based on the collective evidence and potential impact of frameshift variants, the p.His641ThrfsTer2 variant is classified as likely pathogenic for Niemann-Pick disease type C. This variant was observed by ICSL as part of a predisposition screen in an ostensibly healthy population.

Eurofins Ntd Llc (ga)
Classification: Pathogenic. Last evaluated: 2015-07-24. Review status: criteria provided, single submitter. Criteria: EGL Classification Definitions 2015. Collection method: clinical testing. Allele origin: germline. Observed: 1 variant allele, 1 heterozygote.

Counsyl
Classification: Likely pathogenic for Niemann-Pick disease, type C1. Last evaluated: 2015-11-24. Review status: no assertion criteria provided. Collection method: clinical testing. Allele origin: unknown. Not counted in ClinVar's aggregate classification.

Literature cited by the submitters: PubMed 9211850 (cited by Labcorp Genetics (formerly Invitae), Labcorp); PubMed 29100954 (cited by Labcorp Genetics (formerly Invitae), Labcorp and Illumina Laboratory Services, Illumina); PubMed 28167839 (cited by Illumina Laboratory Services, Illumina); PubMed 28155026 (cited by Illumina Laboratory Services, Illumina).